The following is an entry in ClinVar:

ClinVar aggregate classification (germline): Likely pathogenic (1 of 4 stars; one submission).

Conditions:
Cardiovascular phenotype. Identifiers: MedGen CN230736.

gnomAD v4.1: 1 of 1,614,146 alleles (0.000062%); highest among the groups gnomAD compares: Non-Finnish European, 0.000085%; no homozygotes.

Submission:

Ambry Genetics
Classification: Likely pathogenic for Cardiovascular phenotype. Last evaluated: 2025-08-20. Review status: criteria provided, single submitter. Criteria: Ambry Variant Classification Scheme 2023. Collection method: clinical testing. Allele origin: germline.
Comment: The c.438G>C (p.K146N) alteration is located in exon 5 (coding exon 3) of the MYH7 gene. This alteration results from a G to C substitution at nucleotide position 438, causing the lysine (K) at amino acid position 146 to be replaced by an asparagine (N). This variant was not reported in population-based cohorts in the Genome Aggregation Database (gnomAD). This variant (and c.438G>T, which also results in p.K146N) has been detected in probands with hypertrophic cardiomyopathy (HCM), including a de novo occurrence, and has been reported to segregate with HCM in at least one family (Ingles, 2005; Walsh, 2017; Ross, 2017; Morita, 2008; Kim, 2024; Hag&egrave;ge, 2024). This amino acid position is highly conserved in available vertebrate species. The in silico prediction for this alteration is inconclusive. Based on the available evidence, this alteration is classified as likely pathogenic.

Literature cited by the submitters: PubMed 16199542; PubMed 18403758; PubMed 27532257; PubMed 28615295; PubMed 39237976; PubMed 39260623.

NM_000257.4(MYH7):c.438G>C (p.Lys146Asn)

Gene: MYH7 (myosin heavy chain 7; minus strand). Cytogenetic location: 14q11.2.
Variant type: single nucleotide variant.
Coding change: c.438G>C on transcript NM_000257.4 (MANE Select); coding-DNA position 438, G replaced by C.
Protein change: p.Lys146Asn; replaces lysine 146 with asparagine.
Molecular consequence: missense variant.
Genome position (GRCh38, 1-based): chr14:23,432,703, C>G on the plus strand (G>C on the coding strand, the complement: MYH7 is on the minus strand). VCF-style: chr14-23432703-C-G. GRCh37 (hg19) VCF-style: chr14-23901912-C-G.
Other names: c.438G>C, p.Lys146Asn (NM_001407004.1); short protein forms K146N.
Identifiers: ClinVar variation 3230910 (VCV003230910.2), dbSNP rs397516212, ClinGen allele CA389052820.